The following is an entry in ClinVar:

NM_001364171.2(ODAD1):c.807C>A (p.Asn269Lys)

Gene: ODAD1 (outer dynein arm docking complex subunit 1; minus strand). Cytogenetic location: 19q13.33.
Variant type: single nucleotide variant.
Coding change: c.807C>A on transcript NM_001364171.2 (MANE Select); coding-DNA position 807, C replaced by A.
Protein change: p.Asn269Lys; replaces asparagine 269 with lysine.
Molecular consequence: missense variant.
Genome position (GRCh38, 1-based): chr19:48,303,999, G>T on the plus strand (C>A on the coding strand, the complement: ODAD1 is on the minus strand). VCF-style: chr19-48303999-G-T. GRCh37 (hg19) VCF-style: chr19-48807256-G-T.
Other names: c.696C>A, p.Asn232Lys (NM_144577.4); short protein forms N232K, N269K.
Identifiers: ClinVar variation 1800319 (VCV001800319.2), dbSNP rs200808081, ClinGen allele CA9548959.
Genomic context (GRCh38, chr19:48,303,999, plus strand): 5'-AGCCCCAGCCTCACCCTGCTTTTCACGCTTCTCCAGGACATCGGGATCCGGCTGCCGGTC[G>T]TTGTTCTTGAGCTTGAGGAAGTGGTGCAGCTGCTCCAGGTGCAAGATCTGCCGCTGCAGG-3'
Protein context (NP_001351100.1, residues 259-279): QLHHFLKLKN[Asn269Lys]DRQPDPDVLE

ClinVar aggregate classification (germline): Uncertain significance (1 of 4 stars; one submission).

Conditions:
Primary ciliary dyskinesia. Also called: Ciliary dyskinesia. Identifiers: Orphanet 244, MedGen C0008780, MONDO:0016575, HP:0012265.

Allele frequency attached by ClinVar (database versions not stated): ExAC 0.00003; 1000 Genomes Project 30x 0.00031; 1000 Genomes Project 0.00040.
gnomAD v4.1: 164 of 1,614,228 alleles (0.01%); highest among the groups gnomAD compares: East Asian, 0.36%; no homozygotes.

Submission:

Ambry Genetics
Classification: Uncertain significance for Primary ciliary dyskinesia. Last evaluated: 2022-02-20. Review status: criteria provided, single submitter. Criteria: Ambry Variant Classification Scheme 2023. Collection method: clinical testing. Allele origin: germline.
Comment: The p.N232K variant (also known as c.696C>A), located in coding exon 6 of the CCDC114 gene, results from a C to A substitution at nucleotide position 696. The asparagine at codon 232 is replaced by lysine, an amino acid with similar properties. This amino acid position is conserved. In addition, this alteration is predicted to be tolerated by in silico analysis. Since supporting evidence is limited at this time, the clinical significance of this alteration remains unclear.